The following is an entry in ClinVar:

ClinVar aggregate classification (germline): Benign. Review status: criteria provided, multiple submitters, no conflicts (2 of 4 stars). 3 submissions from 3 submitters: Benign (3). Last evaluated 2021-06-15.

Conditions:
Ellis-van Creveld syndrome (EVC). Also called: EVC-Related Ellis-van Creveld Syndrome; EVC2-Related Ellis-van Creveld Syndrome; Chondroectodermal dysplasia; MESOECTODERMAL DYSPLASIA. Identifiers: Orphanet 289, MedGen C0013903, MONDO:0009162, OMIM 225500.

Allele frequency attached by ClinVar (database versions not stated): TOPMed 0.83694; 1000 Genomes Project 30x 0.84244; 1000 Genomes Project 0.84245.
gnomAD v4.1: 597,315 of 747,276 alleles (80%); highest among the groups gnomAD compares: African/African-American, 95%; 239,830 homozygotes.

Submissions (3):

Pars Genome Lab
Classification: Benign for Ellis-van Creveld syndrome. Last evaluated: 2021-06-15. Review status: criteria provided, single submitter. Criteria: ACMG Guidelines, 2015. Collection method: clinical testing. Allele origin: germline. Affected: no.

GeneDx
Classification: Benign. Last evaluated: 2018-06-14. Review status: criteria provided, single submitter. Criteria: GeneDx Variant Classification (06012015). Collection method: clinical testing. Allele origin: germline. Affected: yes.
Comment: This variant is considered likely benign or benign based on one or more of the following criteria: it is a conservative change, it occurs at a poorly conserved position in the protein, it is predicted to be benign by multiple in silico algorithms, and/or has population frequency not consistent with disease.

Breakthrough Genomics
Classification: Benign. Review status: criteria provided, single submitter. Criteria: ACMG Guidelines, 2015. Collection method: not provided. Allele origin: germline. Inheritance: Autosomal recessive inheritance. Affected: yes.

NM_153717.3(EVC):c.1099-167G>C

Gene: EVC (EvC ciliary complex subunit 1; plus strand). Cytogenetic location: 4p16.2.
Variant type: single nucleotide variant.
Coding change: c.1099-167G>C on transcript NM_153717.3 (MANE Select); 167 bases into the intron before coding-DNA position 1099, G replaced by C.
Molecular consequence: intron variant.
Genome position (GRCh38, 1-based): chr4:5,752,669, G>C. VCF-style: chr4-5752669-G-C. GRCh37 (hg19) VCF-style: chr4-5754396-G-C.
Other names: c.1099-167G>C (NM_001306090.2, NM_001306092.2).
Identifiers: ClinVar variation 667837 (VCV000667837.4), dbSNP rs6810769, ClinGen allele CA11634271.